The following is an entry in ClinVar:

NM_000103.4(CYP19A1):c.795del (p.Ile266fs)

Genes: CYP19A1 (cytochrome P450 family 19 subfamily A member 1; minus strand), MIR4713HG (MIR4713 host gene; plus strand), PIRC66 (piwi-interacting RNA cluster 66; plus strand). Cytogenetic location: 15q21.2.
Variant type: Deletion.
Coding change: c.795del on transcript NM_000103.4 (MANE Select); coding-DNA position 795, one base deleted (G; older notation c.795delG).
Protein change: p.Ile266fs; shifts the reading frame from isoleucine 266.
Molecular consequence: frameshift variant.
Genome position (GRCh38, 1-based): chr15:51,215,766, C deleted on the plus strand (G on the coding strand, the reverse complement: CYP19A1 is on the minus strand); the first of 2 consecutive C bases (chr15:51,215,766-51,215,767); deleting either gives the same sequence. VCF-style (leftmost placement, unchanged base first): chr15-51215765-TC-T. GRCh37 (hg19) VCF-style: chr15-51507962-TC-T.
Other names: c.795del, p.Ile266fs (NM_001347248.1, NM_001347249.2, NM_001347250.2 and 7 more transcripts); short protein forms I266fs.
Identifiers: ClinVar variation 2025157 (VCV002025157.4), dbSNP rs2542404539, ClinGen allele CA2580089749.

ClinVar aggregate classification (germline): Pathogenic (1 of 4 stars; one submission).

Submission:

Labcorp Genetics (formerly Invitae), Labcorp
Classification: Pathogenic. Last evaluated: 2022-08-20. Review status: criteria provided, single submitter. Criteria: Invitae Variant Classification Sherloc (09022015). Collection method: clinical testing. Allele origin: germline.
Comment: For these reasons, this variant has been classified as Pathogenic. This variant has not been reported in the literature in individuals affected with CYP19A1-related conditions. This variant is not present in population databases (gnomAD no frequency). This sequence change creates a premature translational stop signal (p.Ile266Phefs*17) in the CYP19A1 gene. It is expected to result in an absent or disrupted protein product. Loss-of-function variants in CYP19A1 are known to be pathogenic (PMID: 14602738, 27086564, 27256151).

Literature cited by the submitters: PubMed 14602738; PubMed 27086564; PubMed 27256151.